The following is an entry in ClinVar:

ClinVar aggregate classification (germline): Uncertain significance. Review status: criteria provided, multiple submitters, no conflicts (2 of 4 stars). 2 submissions from 2 submitters: Uncertain significance (2). Last evaluated 2025-06-15.

Allele frequency attached by ClinVar (database versions not stated): gnomAD 0.00001; TOPMed 0.00002.
gnomAD v4.1: 14 of 1,613,046 alleles (0.00087%); highest among the groups gnomAD compares: Admixed American, 0.02%; no homozygotes.

Submissions (2):

Labcorp Genetics (formerly Invitae), Labcorp
Classification: Uncertain significance. Last evaluated: 2025-06-15. Review status: criteria provided, single submitter. Criteria: Invitae Variant Classification Sherloc (09022015). Collection method: clinical testing. Allele origin: germline.
Comment: This sequence change replaces isoleucine, which is neutral and non-polar, with asparagine, which is neutral and polar, at codon 126 of the KIF20A protein (p.Ile126Asn). This variant is present in population databases (no rsID available, gnomAD 0.03%). This variant has not been reported in the literature in individuals affected with KIF20A-related conditions. ClinVar contains an entry for this variant (Variation ID: 1986986). An algorithm developed to predict the effect of missense changes on protein structure and function (PolyPhen-2) suggests that this variant is likely to be disruptive. In summary, the available evidence is currently insufficient to determine the role of this variant in disease. Therefore, it has been classified as a Variant of Uncertain Significance.

Ambry Genetics
Classification: Uncertain significance. Last evaluated: 2021-07-26. Review status: criteria provided, single submitter. Criteria: Ambry Variant Classification Scheme 2023. Collection method: clinical testing. Allele origin: germline.

NM_005733.3(KIF20A):c.377T>A (p.Ile126Asn)

Gene: KIF20A (kinesin family member 20A; plus strand). Cytogenetic location: 5q31.2.
Variant type: single nucleotide variant.
Coding change: c.377T>A on transcript NM_005733.3 (MANE Select); coding-DNA position 377, T replaced by A.
Protein change: p.Ile126Asn; replaces isoleucine 126 with asparagine.
Molecular consequence: missense variant.
Genome position (GRCh38, 1-based): chr5:138,182,324, T>A. VCF-style: chr5-138182324-T-A. GRCh37 (hg19) VCF-style: chr5-137518013-T-A.
Other names: short protein forms I126N.
Identifiers: ClinVar variation 1986986 (VCV001986986.5), dbSNP rs935223410, ClinGen allele CA128184809.
Genomic context (GRCh38, chr5:138,182,324, plus strand): 5'-GCACAGGAGGCAAGTGGGAGATGAAGGAGAGGCCTCTAAAAAACTGGGTCTCTCTCTAGA[T>A]CTTTGGGCCAGAAGTGGGACAGGCATCCTTCTTCAACCTAACTGTGAAGGAGATGGTAAA-3'
Protein context (NP_005724.1, residues 116-136): QATHRFTFSQ[Ile126Asn]FGPEVGQASF